The following is an entry in ClinVar:

NM_016373.4(WWOX):c.1057-3C>T

Genes: MAF (MAF bZIP transcription factor; minus strand), WWOX (WW domain containing oxidoreductase; plus strand). Cytogenetic location: 16q23.2.
Variant type: single nucleotide variant.
Coding change: c.1057-3C>T on transcript NM_016373.4 (MANE Select); 3 bases into the intron before coding-DNA position 1057, C replaced by T.
Molecular consequence: intron variant.
Genome position (GRCh38, 1-based): chr16:79,211,605, C>T. VCF-style: chr16-79211605-C-T. GRCh37 (hg19) VCF-style: chr16-79245502-C-T.
Other names: c.718-3C>T (NM_001291997.2).
Identifiers: ClinVar variation 571723 (VCV000571723.8), dbSNP rs143302415, ClinGen allele CA8183723.

ClinVar aggregate classification (germline): Conflicting classifications of pathogenicity. Review status: criteria provided, conflicting classifications (1 of 4 stars). 2 submissions from 2 submitters: Uncertain significance (1); Likely benign (1). Last evaluated 2024-11-25.

Conditions:
Autosomal recessive spinocerebellar ataxia 12. Also called: SPINOCEREBELLAR ATAXIA WITH MENTAL RETARDATION AND EPILEPSY. Identifiers: Orphanet 284282, MedGen C3280452, MONDO:0013687, OMIM 614322.
Developmental and epileptic encephalopathy, 1 (DEE1). Also called: Epileptic encephalopathy, early infantile, 1; X-linked infantile spasms; West's syndrome; Tonic spasms with clustering, arrest of psychomotor development and hypsarrhythmia on EEG; X-Linked Infantile Spasm Syndrome; OHTAHARA SYNDROME, X-LINKED. Identifiers: MedGen C3463992, MONDO:0010632, OMIM 308350. Disease mechanism: loss of function.
WWOX-related disorder. Also called: WWOX-related condition.

Allele frequency attached by ClinVar (database versions not stated): ExAC 0.00004; ESP Exome Variant Server 0.00008; TOPMed 0.00010; 1000 Genomes Project 30x 0.00047; 1000 Genomes Project 0.00060.
gnomAD v4.1: 78 of 1,614,160 alleles (0.0048%); highest among the groups gnomAD compares: African/African-American, 0.025%; no homozygotes.

Submissions (3):

PreventionGenetics, part of Exact Sciences
Classification: Likely benign for WWOX-related condition. Last evaluated: 2024-11-25. Review status: criteria provided, single submitter. Criteria: ACMG Guidelines, 2015. Collection method: clinical testing. Allele origin: germline.
Comment: This variant is classified as likely benign based on ACMG/AMP sequence variant interpretation guidelines (Richards et al. 2015 PMID: 25741868, with internal and published modifications).

Labcorp Genetics (formerly Invitae), Labcorp
Classification: Uncertain significance for Developmental and epileptic encephalopathy, 1; Autosomal recessive spinocerebellar ataxia 12. Last evaluated: 2022-03-23. Review status: criteria provided, single submitter. Criteria: Invitae Variant Classification Sherloc (09022015). Collection method: clinical testing. Allele origin: germline.
Comment: This sequence change falls in intron 8 of the WWOX gene. It does not directly change the encoded amino acid sequence of the WWOX protein. It affects a nucleotide within the consensus splice site. This variant is present in population databases (rs143302415, gnomAD 0.04%). This variant has been observed in individual(s) with clinical features of WWOX-related conditions (PMID: 31130284). ClinVar contains an entry for this variant (Variation ID: 571723). Variants that disrupt the consensus splice site are a relatively common cause of aberrant splicing (PMID: 17576681, 9536098). Algorithms developed to predict the effect of sequence changes on RNA splicing suggest that this variant is not likely to affect RNA splicing. In summary, the available evidence is currently insufficient to determine the role of this variant in disease. Therefore, it has been classified as a Variant of Uncertain Significance.

Dr. Peter K. Rogan Lab, Western University
No classification provided (evidence only). Condition: Cervical cancer. Review status: no classification provided. Collection method: in vitro. Allele origin: not applicable. Functional consequence: retained intron. Not counted in ClinVar's aggregate classification.

Literature cited by the submitters: PubMed 31130284 (cited by Labcorp Genetics (formerly Invitae), Labcorp); PubMed 17576681 (cited by Labcorp Genetics (formerly Invitae), Labcorp); PubMed 9536098 (cited by Labcorp Genetics (formerly Invitae), Labcorp).